The following is an entry in ClinVar:

NM_001363711.2(DUOX2):c.2561-2A>G

Gene: DUOX2 (dual oxidase 2; minus strand). Cytogenetic location: 15q21.1.
Variant type: single nucleotide variant.
Coding change: c.2561-2A>G on transcript NM_001363711.2 (MANE Select); the canonical splice acceptor site of the intron before coding-DNA position 2561, A replaced by G.
Molecular consequence: splice acceptor variant.
Genome position (GRCh38, 1-based): chr15:45,104,055, T>C on the plus strand (A>G on the coding strand, the complement: DUOX2 is on the minus strand). VCF-style: chr15-45104055-T-C. GRCh37 (hg19) VCF-style: chr15-45396253-T-C.
Other names: c.2561-2A>G (NM_014080.5).
Identifiers: ClinVar variation 2748093 (VCV002748093.3), dbSNP rs2504760939, ClinGen allele CA392269223.

ClinVar aggregate classification (germline): Likely pathogenic (1 of 4 stars; one submission).

Allele frequency attached by ClinVar (database versions not stated): gnomAD exomes below 0.00001.
gnomAD v4.1: 1 of 1,614,050 alleles (0.000062%); highest among the groups gnomAD compares: South Asian, 0.0011%; no homozygotes.

Submission:

Labcorp Genetics (formerly Invitae), Labcorp
Classification: Likely pathogenic. Last evaluated: 2023-07-29. Review status: criteria provided, single submitter. Criteria: Invitae Variant Classification Sherloc (09022015). Collection method: clinical testing. Allele origin: germline.
Comment: In summary, the currently available evidence indicates that the variant is pathogenic, but additional data are needed to prove that conclusively. Therefore, this variant has been classified as Likely Pathogenic. Algorithms developed to predict the effect of sequence changes on RNA splicing suggest that this variant may disrupt the consensus splice site. This variant has not been reported in the literature in individuals affected with DUOX2-related conditions. This variant is not present in population databases (gnomAD no frequency). This sequence change affects an acceptor splice site in intron 19 of the DUOX2 gene. It is expected to disrupt RNA splicing. Variants that disrupt the donor or acceptor splice site typically lead to a loss of protein function (PMID: 16199547), and loss-of-function variants in DUOX2 are known to be pathogenic (PMID: 12110737, 18765513, 21565790, 24423310, 24735383).

Literature cited by the submitters: PubMed 16199547; PubMed 12110737; PubMed 18765513; PubMed 21565790; PubMed 24423310; PubMed 24735383.